The following is an entry in ClinVar:

ClinVar aggregate classification (germline): Uncertain significance (1 of 4 stars; one submission).

Conditions:
Emery-Dreifuss muscular dystrophy 5, autosomal dominant (EDMD5). Also called: EMERY-DREIFUSS MUSCULAR DYSTROPHY 5. Identifiers: Orphanet 261, MedGen C2751805, MONDO:0013072, OMIM 612999.

Allele frequency attached by ClinVar (database versions not stated): gnomAD exomes below 0.00001; gnomAD 0.00001.
gnomAD v4.1: 8 of 1,614,026 alleles (0.0005%); highest among the groups gnomAD compares: African/African-American, 0.0013%; no homozygotes.

Submission:

Labcorp Genetics (formerly Invitae), Labcorp
Classification: Uncertain significance for Emery-Dreifuss muscular dystrophy 5, autosomal dominant. Last evaluated: 2022-07-19. Review status: criteria provided, single submitter. Criteria: Invitae Variant Classification Sherloc (09022015). Collection method: clinical testing. Allele origin: germline.
Comment: In summary, the available evidence is currently insufficient to determine the role of this variant in disease. Therefore, it has been classified as a Variant of Uncertain Significance. Algorithms developed to predict the effect of missense changes on protein structure and function output the following: SIFT: "Tolerated"; PolyPhen-2: "Benign"; Align-GVGD: "Class C0". The lysine amino acid residue is found in multiple mammalian species, which suggests that this missense change does not adversely affect protein function. ClinVar contains an entry for this variant (Variation ID: 571251). This variant has not been reported in the literature in individuals affected with SYNE2-related conditions. This variant is present in population databases (no rsID available, gnomAD 0.01%). This sequence change replaces glutamic acid, which is acidic and polar, with lysine, which is basic and polar, at codon 4040 of the SYNE2 protein (p.Glu4040Lys).

NM_182914.3(SYNE2):c.12118G>A (p.Glu4040Lys)

Gene: SYNE2 (spectrin repeat containing nuclear envelope protein 2; plus strand). Cytogenetic location: 14q23.2.
Variant type: single nucleotide variant.
Coding change: c.12118G>A on transcript NM_182914.3 (MANE Select); coding-DNA position 12118, G replaced by A.
Protein change: p.Glu4040Lys; replaces glutamic acid 4040 with lysine.
Molecular consequence: missense variant.
Genome position (GRCh38, 1-based): chr14:64,097,958, G>A. VCF-style: chr14-64097958-G-A. GRCh37 (hg19) VCF-style: chr14-64564676-G-A.
Other names: c.12118G>A, p.Glu4040Lys (NM_015180.6); short protein forms E4040K.
Identifiers: ClinVar variation 571251 (VCV000571251.8), dbSNP rs1245656240, ClinGen allele CA389952184.